The following is an entry in ClinVar:

ClinVar aggregate classification (germline): Uncertain significance. Review status: criteria provided, multiple submitters, no conflicts (2 of 4 stars). 2 submissions from 2 submitters: Uncertain significance (2). Last evaluated 2023-02-21.

Conditions:
Wilms tumor 1 (WT1). Also called: Wilms tumor, somatic. Identifiers: Orphanet 654, MedGen CN033288, MONDO:0008679, OMIM 194070.

Submissions (2):

Labcorp Genetics (formerly Invitae), Labcorp
Classification: Uncertain significance for Wilms tumor 1. Last evaluated: 2023-02-21. Review status: criteria provided, single submitter. Criteria: Invitae Variant Classification Sherloc (09022015). Collection method: clinical testing. Allele origin: germline.
Comment: This variant is not present in population databases (gnomAD no frequency). In summary, the available evidence is currently insufficient to determine the role of this variant in disease. Therefore, it has been classified as a Variant of Uncertain Significance. An algorithm developed to predict the effect of missense changes on protein structure and function (PolyPhen-2) suggests that this variant is likely to be disruptive. ClinVar contains an entry for this variant (Variation ID: 476648). This variant has not been reported in the literature in individuals affected with GPC3-related conditions. This sequence change replaces glycine, which is neutral and non-polar, with serine, which is neutral and polar, at codon 510 of the GPC3 protein (p.Gly510Ser).

GeneDx
Classification: Uncertain significance. Last evaluated: 2020-11-23. Review status: criteria provided, single submitter. Criteria: GeneDx Variant Classification Process June 2021. Collection method: clinical testing. Allele origin: germline. Affected: yes.
Comment: Not observed in large population cohorts (Lek et al., 2016); In silico analysis supports that this missense variant has a deleterious effect on protein structure/function; Has not been previously published as pathogenic or benign to our knowledge

NM_004484.4(GPC3):c.1528G>A (p.Gly510Ser)

Gene: GPC3 (glypican 3; minus strand). Cytogenetic location: Xq26.2.
Variant type: single nucleotide variant.
Coding change: c.1528G>A on transcript NM_004484.4 (MANE Select); coding-DNA position 1528, G replaced by A.
Protein change: p.Gly510Ser; replaces glycine 510 with serine.
Molecular consequence: missense variant.
Genome position (GRCh38, 1-based): chrX:133,596,485, C>T on the plus strand (G>A on the coding strand, the complement: GPC3 is on the minus strand). VCF-style: chrX-133596485-C-T. GRCh37 (hg19) VCF-style: chrX-132730513-C-T.
Other names: c.1597G>A, p.Gly533Ser (NM_001164617.2); c.1480G>A, p.Gly494Ser (NM_001164618.2); c.1366G>A, p.Gly456Ser (NM_001164619.2); short protein forms G510S, G494S, G456S, G533S.
Identifiers: ClinVar variation 476648 (VCV000476648.10), dbSNP rs1556159260, ClinGen allele CA414700919.